The following is an entry in ClinVar:

NM_032119.4(ADGRV1):c.4271_4272dup (p.Leu1425fs)

Gene: ADGRV1 (adhesion G protein-coupled receptor V1; plus strand). Cytogenetic location: 5q14.3.
Variant type: Duplication.
Coding change: c.4271_4272dup on transcript NM_032119.4 (MANE Select); coding-DNA positions 4271 to 4272, 2 bases duplicated (GG; older notation c.4271_4272dupGG).
Protein change: p.Leu1425fs; shifts the reading frame from leucine 1425.
Molecular consequence: frameshift variant. On other transcripts: non-coding transcript variant (1).
Genome position (GRCh38, 1-based): chr5:90,653,845-90,653,846, GG duplicated. VCF-style (leftmost placement, unchanged base first): chr5-90653844-T-TGG. GRCh37 (hg19) VCF-style: chr5-89949661-T-TGG.
Other names: short protein forms L1425fs.
Identifiers: ClinVar variation 1073725 (VCV001073725.7), dbSNP rs2149468567, ClinGen allele CA2499217986.

ClinVar aggregate classification (germline): Pathogenic (1 of 4 stars; one submission).

Submission:

Labcorp Genetics (formerly Invitae), Labcorp
Classification: Pathogenic. Last evaluated: 2020-07-14. Review status: criteria provided, single submitter. Criteria: Invitae Variant Classification Sherloc (09022015). Collection method: clinical testing. Allele origin: germline.
Comment: This sequence change creates a premature translational stop signal (p.Leu1425Glyfs*5) in the ADGRV1 gene. It is expected to result in an absent or disrupted protein product. This variant is not present in population databases (ExAC no frequency). This variant has not been reported in the literature in individuals with ADGRV1-related conditions. Loss-of-function variants in ADGRV1 are known to be pathogenic (PMID: 19357117, 22135276, 22147658). For these reasons, this variant has been classified as Pathogenic.

Literature cited by the submitters: PubMed 19357117; PubMed 22135276; PubMed 22147658.